The following is an entry in ClinVar:

NM_015512.5(DNAH1):c.8575del (p.Leu2859fs)

Gene: DNAH1 (dynein axonemal heavy chain 1; plus strand). Cytogenetic location: 3p21.1.
Variant type: Deletion.
Coding change: c.8575del on transcript NM_015512.5 (MANE Select); coding-DNA position 8575, one base deleted (C; older notation c.8575delC).
Protein change: p.Leu2859fs; shifts the reading frame from leucine 2859.
Molecular consequence: frameshift variant.
Genome position (GRCh38, 1-based): chr3:52,385,397, C deleted; the last of 5 consecutive C bases (chr3:52,385,393-52,385,397); deleting any one gives the same sequence. VCF-style (leftmost placement, unchanged base first): chr3-52385392-AC-A. GRCh37 (hg19) VCF-style: chr3-52419408-AC-A.
Other names: p.Leu2859Cysfs*77; short protein forms L2859fs.
Identifiers: ClinVar variation 3380969 (VCV003380969.2).

ClinVar aggregate classification (germline): Likely pathogenic. Review status: criteria provided, multiple submitters, no conflicts (2 of 4 stars). 2 submissions from 2 submitters: Likely pathogenic (2). Last evaluated 2024-08-22.

Conditions:
DNAH1-related disorders.

Submissions (2):

Mayo Clinic Laboratories, Mayo Clinic
Classification: Likely pathogenic. Last evaluated: 2024-08-22. Review status: criteria provided, single submitter. Criteria: ACMG Guidelines, 2015. Collection method: clinical testing. Allele origin: germline. Observed: 1 variant allele.
Comment: PM2, PVS1

Blueprint Genetics
Classification: Likely pathogenic for DNAH1-related disorders. Last evaluated: 2023-03-10. Review status: criteria provided, single submitter. Criteria: ACMG Guidelines, 2015. Collection method: clinical testing. Allele origin: germline. Affected: yes. Observed: 1 variant allele.